The following is an entry in ClinVar:

ClinVar aggregate classification (germline): Uncertain significance. Review status: criteria provided, multiple submitters, no conflicts (2 of 4 stars). 2 submissions from 2 submitters: Uncertain significance (2). Last evaluated 2024-10-28.

Conditions:
Hereditary cancer-predisposing syndrome. Also called: Tumor predisposition; Neoplastic Syndromes, Hereditary; Hereditary Cancer Syndrome; Hereditary neoplastic syndrome. Identifiers: Orphanet 140162, MedGen C0027672, MeSH D009386, MONDO:0015356.
Ataxia-telangiectasia syndrome (AT). Also called: ATAXIA-TELANGIECTASIA, COMPLEMENTATION GROUP A; ATAXIA-TELANGIECTASIA, FRESNO VARIANT; Ataxia-telangiectasia; Ataxia-telangiectasia, complementation group D; AT, COMPLEMENTATION GROUP C; Ataxia-telangiectasia, complementation group E. Identifiers: Orphanet 100, MedGen C0004135, MONDO:0008840, OMIM 208900.

Submissions (2):

Ambry Genetics
Classification: Uncertain significance for Hereditary cancer-predisposing syndrome. Last evaluated: 2024-10-28. Review status: criteria provided, single submitter. Criteria: Ambry Variant Classification Scheme 2023. Collection method: clinical testing. Allele origin: germline.
Comment: The p.M2357T variant (also known as c.7070T>C), located in coding exon 47 of the ATM gene, results from a T to C substitution at nucleotide position 7070. The methionine at codon 2357 is replaced by threonine, an amino acid with similar properties. This amino acid position is not well conserved in available vertebrate species. In addition, the in silico prediction for this alteration is inconclusive. Since supporting evidence is limited at this time, the clinical significance of this alteration remains unclear.

Labcorp Genetics (formerly Invitae), Labcorp
Classification: Uncertain significance for Ataxia-telangiectasia syndrome. Last evaluated: 2021-06-18. Review status: criteria provided, single submitter. Criteria: Invitae Variant Classification Sherloc (09022015). Collection method: clinical testing. Allele origin: germline.
Comment: This sequence change replaces methionine with threonine at codon 2357 of the ATM protein (p.Met2357Thr). The methionine residue is moderately conserved and there is a moderate physicochemical difference between methionine and threonine. This variant is not present in population databases (ExAC no frequency). This variant has not been reported in the literature in individuals with ATM-related conditions. ClinVar contains an entry for this variant (Variation ID: 826818). Advanced modeling of protein sequence and biophysical properties (such as structural, functional, and spatial information, amino acid conservation, physicochemical variation, residue mobility, and thermodynamic stability) performed at Invitae indicates that this missense variant is not expected to disrupt ATM protein function. In summary, the available evidence is currently insufficient to determine the role of this variant in disease. Therefore, it has been classified as a Variant of Uncertain Significance.

NM_000051.4(ATM):c.7070T>C (p.Met2357Thr)

Genes: ATM (ATM serine/threonine kinase; plus strand), C11orf65 (chromosome 11 open reading frame 65; minus strand). Cytogenetic location: 11q22.3.
Variant type: single nucleotide variant.
Coding change: c.7070T>C on transcript NM_000051.4 (MANE Select); coding-DNA position 7070, T replaced by C.
Protein change: p.Met2357Thr; replaces methionine 2357 with threonine.
Molecular consequence: missense variant. On other transcripts: intron variant (2).
Genome position (GRCh38, 1-based): chr11:108,327,739, T>C. VCF-style: chr11-108327739-T-C. GRCh37 (hg19) VCF-style: chr11-108198466-T-C.
Other names: c.7070T>C, p.Met2357Thr (NM_001351834.2); c.641-18668A>G (NM_001330368.2); c.*38+7481A>G (NM_001351110.2); short protein forms M2357T.
Identifiers: ClinVar variation 826818 (VCV000826818.14), dbSNP rs1591142855, ClinGen allele CA382559089.